The following is an entry in ClinVar:

NM_138694.4(PKHD1):c.5269G>A (p.Gly1757Arg)

Gene: PKHD1 (PKHD1 ciliary IPT domain containing fibrocystin/polyductin; minus strand). Cytogenetic location: 6p12.2.
Variant type: single nucleotide variant.
Coding change: c.5269G>A on transcript NM_138694.4 (MANE Select); coding-DNA position 5269, G replaced by A.
Protein change: p.Gly1757Arg; replaces glycine 1757 with arginine.
Molecular consequence: missense variant.
Genome position (GRCh38, 1-based): chr6:52,022,912, C>T on the plus strand (G>A on the coding strand, the complement: PKHD1 is on the minus strand). VCF-style: chr6-52022912-C-T. GRCh37 (hg19) VCF-style: chr6-51887710-C-T.
Other names: c.5269G>A, p.Gly1757Arg (NM_170724.3); short protein forms G1757R.
Identifiers: ClinVar variation 4532033 (VCV004532033.1).
Genomic context (GRCh38, chr6:52,022,912, plus strand): 5'-GGACTCGGCAGGGAGCACCACACACAGCAGCTGAGACATTCCCTGGAGAAAATCCCGCTC[C>T]AAACACATGCACCAGCCTTCCACCCAGGCAGCCTTTAAAGACAAAGGTACAAGTTCTTGA-3'
Protein context (NP_619639.3, residues 1747-1767): CLGGRLVHVF[Gly1757Arg]AGFSPGNVSA

ClinVar aggregate classification (germline): Uncertain significance (1 of 4 stars; one submission).

Conditions:
Polycystic kidney disease 4 (PKD4). Also called: POLYCYSTIC KIDNEY DISEASE 4 WITH OR WITHOUT POLYCYSTIC LIVER DISEASE; POLYCYSTIC KIDNEY AND HEPATIC DISEASE 1; POLYCYSTIC KIDNEY DISEASE, INFANTILE, TYPE I; PKD3; Autosomal Recessive Polycystic Kidney Disease – PKHD1. Identifiers: MedGen C4540575, MONDO:0033004, OMIM 263200.

Submission:

Victorian Clinical Genetics Services, Murdoch Childrens Research Institute
Classification: Uncertain significance for Polycystic kidney disease 4. Last evaluated: 2025-05-15. Review status: criteria provided, single submitter. Criteria: ACMG Guidelines, 2015. Collection method: clinical testing. Allele origin: germline.
Comment: This variant is classified as VUS-3A. Evidence in support of pathogenic classification: Variant is absent from gnomAD (v2, v3 and v4); Missense variant predicted to be damaging by in silico tool(s) or highly conserved with a major amino acid change. Additional information: Variant is predicted to result in a missense amino acid change from glycine to arginine; This variant is heterozygous; This gene is associated with autosomal recessive disease; however, there are emerging reports of heterozygous carriers of PKHD1 variants developing liver cysts and nephrocalcinosis (PMIDs: 21945273, 36691356); This variant has no previous evidence of pathogenicity; No published segregation evidence has been identified for this variant; No published functional evidence has been identified for this variant; No comparable missense variants have previous evidence for pathogenicity; Variant is not located in an established domain, motif, hotspot or informative constraint region; Loss of function is a known mechanism of disease in this gene and is associated with polycystic kidney disease 4, with or without hepatic disease (MIM#263200); Variants in this gene are known to have variable expressivity. Significant intrafamilial variability has been reported (PMID: 20301501); Inheritance information for this variant is not currently available in this individual.

Literature cited by the submitters: PubMed 20301501; PubMed 36691356; PubMed 21945273.